The following is an entry in ClinVar:

ClinVar aggregate classification (germline): Uncertain significance (1 of 4 stars; one submission).

Submission:

Labcorp Genetics (formerly Invitae), Labcorp
Classification: Uncertain significance. Last evaluated: 2022-08-16. Review status: criteria provided, single submitter. Criteria: Invitae Variant Classification Sherloc (09022015). Collection method: clinical testing. Allele origin: germline.
Comment: This sequence change replaces threonine, which is neutral and polar, with asparagine, which is neutral and polar, at codon 2092 of the UNC80 protein (p.Thr2092Asn). This variant is not present in population databases (gnomAD no frequency). This variant has not been reported in the literature in individuals affected with UNC80-related conditions. Algorithms developed to predict the effect of missense changes on protein structure and function are either unavailable or do not agree on the potential impact of this missense change (SIFT: "Not Available"; PolyPhen-2: "Possibly Damaging"; Align-GVGD: "Not Available"). In summary, the available evidence is currently insufficient to determine the role of this variant in disease. Therefore, it has been classified as a Variant of Uncertain Significance.

NM_001371986.1(UNC80):c.6473C>A (p.Thr2158Asn)

Gene: UNC80 (unc-80 subunit of NALCN channel complex; plus strand). Cytogenetic location: 2q34.
Variant type: single nucleotide variant.
Coding change: c.6473C>A on transcript NM_001371986.1 (MANE Select); coding-DNA position 6473, C replaced by A.
Protein change: p.Thr2158Asn; replaces threonine 2158 with asparagine.
Molecular consequence: missense variant.
Genome position (GRCh38, 1-based): chr2:209,939,479, C>A. VCF-style: chr2-209939479-C-A. GRCh37 (hg19) VCF-style: chr2-210804203-C-A.
Other names: c.6275C>A, p.Thr2092Asn (NM_032504.2); c.6260C>A, p.Thr2087Asn (NM_182587.4); short protein forms T2087N, T2092N, T2158N.
Identifiers: ClinVar variation 2090097 (VCV002090097.4), dbSNP rs2471165779, ClinGen allele CA350771848.